The following is an entry in ClinVar:

NM_198576.4(AGRN):c.4114G>A (p.Ala1372Thr)

Gene: AGRN (agrin; plus strand). Cytogenetic location: 1p36.33.
Variant type: single nucleotide variant.
Coding change: c.4114G>A on transcript NM_198576.4 (MANE Select); coding-DNA position 4114, G replaced by A.
Protein change: p.Ala1372Thr; replaces alanine 1372 with threonine.
Molecular consequence: missense variant.
Genome position (GRCh38, 1-based): chr1:1,048,875, G>A. VCF-style: chr1-1048875-G-A. GRCh37 (hg19) VCF-style: chr1-984255-G-A.
Other names: c.4114G>A, p.Ala1372Thr (NM_001305275.2); c.3799G>A, p.Ala1267Thr (NM_001364727.2); short protein forms A1372T, A1267T.
Identifiers: ClinVar variation 853567 (VCV000853567.11), dbSNP rs376441344, ClinGen allele CA509326.

ClinVar aggregate classification (germline): Uncertain significance. Review status: criteria provided, multiple submitters, no conflicts (2 of 4 stars). 3 submissions from 3 submitters: Uncertain significance (3). Last evaluated 2025-10-25.

Conditions:
Inborn genetic diseases. Identifiers: MedGen C0950123, MeSH D030342.
Congenital myasthenic syndrome 8. Also called: Myasthenic syndrome, congenital, 8, with pre- and postsynaptic defects; MYASTHENIC SYNDROME, CONGENITAL, DUE TO AGRIN DEFICIENCY. Identifiers: Orphanet 590, MedGen C3808739, MONDO:0014052, OMIM 615120.

Allele frequency attached by ClinVar (database versions not stated): gnomAD 0.00001 and 0.00002; TOPMed 0.00004; gnomAD exomes 0.00006; ESP Exome Variant Server 0.00008; ExAC 0.00015.
gnomAD v4.1: 45 of 1,536,662 alleles (0.0029%); highest among the groups gnomAD compares: Middle Eastern, 0.082%; no homozygotes.

Submissions (3):

Labcorp Genetics (formerly Invitae), Labcorp
Classification: Uncertain significance for Congenital myasthenic syndrome 8. Last evaluated: 2025-10-25. Review status: criteria provided, single submitter. Criteria: Invitae Variant Classification Sherloc (09022015). Collection method: clinical testing. Allele origin: germline.
Comment: This sequence change replaces alanine, which is neutral and non-polar, with threonine, which is neutral and polar, at codon 1372 of the AGRN protein (p.Ala1372Thr). This variant is present in population databases (rs376441344, gnomAD 0.01%). This variant has not been reported in the literature in individuals affected with AGRN-related conditions. ClinVar contains an entry for this variant (Variation ID: 853567). An algorithm developed to predict the effect of missense changes on protein structure and function (PolyPhen-2) suggests that this variant is likely to be disruptive. In summary, the available evidence is currently insufficient to determine the role of this variant in disease. Therefore, it has been classified as a Variant of Uncertain Significance.

Ambry Genetics
Classification: Uncertain significance for Inborn genetic diseases. Last evaluated: 2025-05-17. Review status: criteria provided, single submitter. Criteria: Ambry Variant Classification Scheme 2023. Collection method: clinical testing. Allele origin: germline.

Revvity Omics, Revvity
Classification: Uncertain significance for Congenital myasthenic syndrome 8. Last evaluated: 2023-07-25. Review status: criteria provided, single submitter. Criteria: ACMG Guidelines, 2015. Collection method: clinical testing. Allele origin: germline.